The following is an entry in ClinVar:

ClinVar aggregate classification (germline): Uncertain significance. Review status: criteria provided, multiple submitters, no conflicts (2 of 4 stars). 2 submissions from 2 submitters: Uncertain significance (2). Last evaluated 2025-10-21.

Conditions:
Dilated cardiomyopathy 1G (CMD1G). Identifiers: Orphanet 154, MedGen C1858763, MONDO:0011400, OMIM 604145.
Autosomal recessive limb-girdle muscular dystrophy type 2J (LGMDR10). Also called: Limb-girdle muscular dystrophy, type 2J; MUSCULAR DYSTROPHY, LIMB-GIRDLE, AUTOSOMAL RECESSIVE 10. Identifiers: Orphanet 140922, MedGen C1837342, MONDO:0012127, OMIM 608807.

gnomAD v4.1: 2 of 1,613,474 alleles (0.00012%); highest among the groups gnomAD compares: African/African-American, 0.0027%; no homozygotes.

Submissions (2):

Labcorp Genetics (formerly Invitae), Labcorp
Classification: Uncertain significance for Dilated cardiomyopathy 1G; Autosomal recessive limb-girdle muscular dystrophy type 2J. Last evaluated: 2025-10-21. Review status: criteria provided, single submitter. Criteria: Invitae Variant Classification Sherloc (09022015). Collection method: clinical testing. Allele origin: germline.
Comment: This sequence change replaces threonine, which is neutral and polar, with lysine, which is basic and polar, at codon 35915 of the TTN protein (p.Thr35915Lys). This variant is not present in population databases (gnomAD no frequency). This variant has not been reported in the literature in individuals affected with TTN-related conditions. ClinVar contains an entry for this variant (Variation ID: 3380855). Experimental studies and prediction algorithms are not available or were not evaluated, and the functional significance of this variant is currently unknown. This variant is located in the M band of TTN (PMID: 25589632). Non-truncating variants in this region may be relevant for neuromuscular disorders, but have not been definitively shown to cause cardiomyopathy (PMID: 23975875). In summary, the available evidence is currently insufficient to determine the role of this variant in disease. Therefore, it has been classified as a Variant of Uncertain Significance.

Mayo Clinic Laboratories, Mayo Clinic
Classification: Uncertain significance. Last evaluated: 2024-04-03. Review status: criteria provided, single submitter. Criteria: ACMG Guidelines, 2015. Collection method: clinical testing. Allele origin: germline. Observed: 2 variant alleles.
Comment: PM2

Literature cited by the submitters: PubMed 25589632 (cited by Labcorp Genetics (formerly Invitae), Labcorp); PubMed 23975875 (cited by Labcorp Genetics (formerly Invitae), Labcorp).

NM_001267550.2(TTN):c.107744C>A (p.Thr35915Lys)

Genes: TTN (titin; minus strand), TTN-AS1 (TTN antisense RNA 1; plus strand). Cytogenetic location: 2q31.2.
Variant type: single nucleotide variant.
Coding change: c.107744C>A on transcript NM_001267550.2 (MANE Select); coding-DNA position 107744, C replaced by A.
Protein change: p.Thr35915Lys; replaces threonine 35915 with lysine.
Molecular consequence: missense variant.
Genome position (GRCh38, 1-based): chr2:178,527,244, G>T on the plus strand (C>A on the coding strand, the complement: TTN is on the minus strand). VCF-style: chr2-178527244-G-T. GRCh37 (hg19) VCF-style: chr2-179391971-G-T.
Other names: p.Thr33347Lys; c.102821C>A, p.Thr34274Lys (NM_001256850.1); c.80549C>A, p.Thr26850Lys (NM_003319.4); c.100040C>A, p.Thr33347Lys (NM_133378.4); c.80924C>A, p.Thr26975Lys (NM_133432.3); c.81125C>A, p.Thr27042Lys (NM_133437.4); short protein forms T26850K, T26975K, T27042K, T33347K, T34274K, T35915K.
Identifiers: ClinVar variation 3380855 (VCV003380855.2).
Genomic context (GRCh38, chr2:178,527,244, plus strand): 5'-CTTCCACCACAGGACCATGTTACTTCTGGGGTAGGCTCACCCGTGAAAGCACAGGCTACT[G>T]TTAGAACTTTGCCTTCATCAATGCTGATATCAGATGGAAGAGCTTCAATTTTAGGCGGAA-3'
Protein context (NP_001254479.2, residues 35905-35925): DISIDEGKVL[Thr35915Lys]VACAFTGEPT